The following is an entry in ClinVar:

ClinVar aggregate classification (germline): Uncertain significance. Review status: criteria provided, multiple submitters, no conflicts (2 of 4 stars). 2 submissions from 2 submitters: Uncertain significance (2). Last evaluated 2026-04-29.

Conditions:
Inborn genetic diseases. Identifiers: MedGen C0950123, MeSH D030342.

gnomAD v4.1: 12 of 1,614,158 alleles (0.00074%); highest among the groups gnomAD compares: East Asian, 0.025%; no homozygotes.

Submissions (2):

Women's Health and Genetics/Laboratory Corporation of America, LabCorp
Classification: Uncertain significance. Last evaluated: 2026-04-29. Review status: criteria provided, single submitter. Criteria: LabCorp Variant Classification Summary - May 2015. Collection method: clinical testing. Allele origin: germline.
Comment: Variant summary: CHD4 c.4976A>G (p.Asp1659Gly) results in a non-conservative amino acid change in the encoded protein sequence. Algorithms developed to predict the effect of missense changes on protein structure and function all suggest that this variant is likely to be disruptive. The variant allele was found at a frequency of 3.6e-05 in 251448 control chromosomes. The available data on variant occurrences in the general population are insufficient to allow any conclusion about variant significance. To our knowledge, no occurrence of c.4976A>G in individuals affected with CHD4-related conditions and no experimental evidence demonstrating its impact on protein function have been reported. ClinVar contains an entry for this variant (Variation ID: 3266852). Based on the evidence outlined above, the variant was classified as uncertain significance.

Ambry Genetics
Classification: Uncertain significance for Inborn genetic diseases. Last evaluated: 2024-06-19. Review status: criteria provided, single submitter. Criteria: Ambry Variant Classification Scheme 2023. Collection method: clinical testing. Allele origin: germline.

NM_001273.5(CHD4):c.4976A>G (p.Asp1659Gly)

Genes: CHD4 (chromodomain helicase DNA binding protein 4; minus strand), CHD4-AS1 (CHD4 antisense RNA 1; plus strand). Cytogenetic location: 12p13.31.
Variant type: single nucleotide variant.
Coding change: c.4976A>G on transcript NM_001273.5 (MANE Select); coding-DNA position 4976, A replaced by G.
Protein change: p.Asp1659Gly; replaces aspartic acid 1659 with glycine.
Molecular consequence: missense variant.
Genome position (GRCh38, 1-based): chr12:6,578,851, T>C on the plus strand (A>G on the coding strand, the complement: CHD4 is on the minus strand). VCF-style: chr12-6578851-T-C. GRCh37 (hg19) VCF-style: chr12-6688017-T-C.
Other names: c.4955A>G, p.Asp1652Gly (NM_001297553.2); c.4943A>G, p.Asp1648Gly (NM_001363606.2); short protein forms D1648G, D1659G, D1652G.
Identifiers: ClinVar variation 3266852 (VCV003266852.2).